The following is an entry in ClinVar:

NM_000384.3(APOB):c.9683T>C (p.Ile3228Thr)

Gene: APOB (apolipoprotein B; minus strand). Cytogenetic location: 2p24.1.
Variant type: single nucleotide variant.
Coding change: c.9683T>C on transcript NM_000384.3 (MANE Select); coding-DNA position 9683, T replaced by C.
Protein change: p.Ile3228Thr; replaces isoleucine 3228 with threonine.
Molecular consequence: missense variant.
Genome position (GRCh38, 1-based): chr2:21,007,185, A>G on the plus strand (T>C on the coding strand, the complement: APOB is on the minus strand). VCF-style: chr2-21007185-A-G. GRCh37 (hg19) VCF-style: chr2-21230057-A-G.
Other names: short protein forms I3228T.
Identifiers: ClinVar variation 628842 (VCV000628842.7), dbSNP rs1558561906, ClinGen allele CA345989211.

ClinVar aggregate classification (germline): Uncertain significance. Review status: criteria provided, multiple submitters, no conflicts (2 of 4 stars). 2 submissions from 2 submitters: Uncertain significance (2). Last evaluated 2023-02-16.

Conditions:
Hypercholesterolemia, autosomal dominant, type B (FHCL2). Also called: APOB-Related Familial Hypercholesterolemia, Autosomal Dominant; Hyperlipoproteinemia Type IIb; Familial Hypercholesterolemia Type B; APOLIPOPROTEIN B-100, FAMILIAL DEFECTIVE; APOLIPOPROTEIN B-100, FAMILIAL LIGAND-DEFECTIVE; Familial hypercholesterolemia 2. Identifiers: MedGen C1704417, MONDO:0007751, OMIM 144010.
Familial hypobetalipoproteinemia 1. Also called: APOB-Related Familial Hypobetalipoproteinemia; Hypobetalipoproteinemia, normotriglyceridemic; Acanthocytosis with hypobetalipoproteinemia. Identifiers: MedGen C4551990, MONDO:0014252, OMIM 615558.
Cardiovascular phenotype. Identifiers: MedGen CN230736.

Allele frequency attached by ClinVar (database versions not stated): gnomAD exomes 0.00001.

Submissions (2):

Ambry Genetics
Classification: Uncertain significance for Cardiovascular phenotype. Last evaluated: 2023-02-16. Review status: criteria provided, single submitter. Criteria: Ambry Variant Classification Scheme 2023. Collection method: clinical testing. Allele origin: germline.
Comment: The p.I3228T variant (also known as c.9683T>C), located in coding exon 26 of the APOB gene, results from a T to C substitution at nucleotide position 9683. The isoleucine at codon 3228 is replaced by threonine, an amino acid with similar properties. This amino acid position is conserved. In addition, this alteration is predicted to be tolerated by in silico analysis. Since supporting evidence is limited at this time, the clinical significance of this alteration remains unclear.

Labcorp Genetics (formerly Invitae), Labcorp
Classification: Uncertain significance for Familial hypobetalipoproteinemia 1; Hypercholesterolemia, autosomal dominant, type B. Last evaluated: 2022-03-14. Review status: criteria provided, single submitter. Criteria: Invitae Variant Classification Sherloc (09022015). Collection method: clinical testing. Allele origin: germline.
Comment: This sequence change replaces isoleucine, which is neutral and non-polar, with threonine, which is neutral and polar, at codon 3228 of the APOB protein (p.Ile3228Thr). This variant is not present in population databases (gnomAD no frequency). This variant has not been reported in the literature in individuals affected with APOB-related conditions. ClinVar contains an entry for this variant (Variation ID: 628842). Algorithms developed to predict the effect of missense changes on protein structure and function output the following: SIFT: "Tolerated"; PolyPhen-2: "Benign"; Align-GVGD: "Class C0". The threonine amino acid residue is found in multiple mammalian species, which suggests that this missense change does not adversely affect protein function. In summary, the available evidence is currently insufficient to determine the role of this variant in disease. Therefore, it has been classified as a Variant of Uncertain Significance.